The following is an entry in ClinVar:

NM_001264.5(CDSN):c.1526T>C (p.Leu509Pro)

Genes: CDSN (corneodesmosin; minus strand), PSORS1C1 (psoriasis susceptibility 1 candidate 1; plus strand). Cytogenetic location: 6p21.33.
Variant type: single nucleotide variant.
Coding change: c.1526T>C on transcript NM_001264.5 (MANE Select); coding-DNA position 1526, T replaced by C.
Protein change: p.Leu509Pro; replaces leucine 509 with proline.
Molecular consequence: missense variant. On other transcripts: intron variant (1).
Genome position (GRCh38, 1-based): chr6:31,116,089, A>G on the plus strand (T>C on the coding strand, the complement: CDSN is on the minus strand). VCF-style: chr6-31116089-A-G. GRCh37 (hg19) VCF-style: chr6-31083866-A-G.
Other names: c.-229+1198A>G (NM_014068.3); short protein forms L509P.
Identifiers: ClinVar variation 1551918 (VCV001551918.10), dbSNP rs375368228, ClinGen allele CA3708294.

ClinVar aggregate classification (germline): Likely benign. Review status: criteria provided, single submitter (1 of 4 stars). 2 submissions from 2 submitters: Likely benign (1). 1 of the submissions does not count toward it. Last evaluated 2025-07-09.

Conditions:
CDSN-related disorder. Also called: CDSN-related condition.

Allele frequency attached by ClinVar (database versions not stated): gnomAD 0.00009; TOPMed 0.00015; gnomAD exomes 0.00018 and 0.00054; ExAC 0.00056.
gnomAD v4.1: 278 of 1,611,972 alleles (0.017%); highest among the groups gnomAD compares: East Asian, 0.21%; 2 homozygotes.

Submissions (2):

Labcorp Genetics (formerly Invitae), Labcorp
Classification: Likely benign. Last evaluated: 2025-07-09. Review status: criteria provided, single submitter. Criteria: Invitae Variant Classification Sherloc (09022015). Collection method: clinical testing. Allele origin: germline.

PreventionGenetics, part of Exact Sciences
Classification: Likely benign for CDSN-related condition. Last evaluated: 2020-05-28. Review status: no assertion criteria provided. Collection method: clinical testing. Allele origin: germline. Not counted in ClinVar's aggregate classification.
Comment: This variant is classified as likely benign based on ACMG/AMP sequence variant interpretation guidelines (Richards et al. 2015 PMID: 25741868, with internal and published modifications).